The following is an entry in ClinVar:

NM_001136157.2(OTUD5):c.1544G>T (p.Arg515Leu)

Gene: OTUD5 (OTU deubiquitinase 5; minus strand). Cytogenetic location: Xp11.23.
Variant type: single nucleotide variant.
Coding change: c.1544G>T on transcript NM_001136157.2 (MANE Select); coding-DNA position 1544, G replaced by T.
Protein change: p.Arg515Leu; replaces arginine 515 with leucine.
Molecular consequence: missense variant.
Genome position (GRCh38, 1-based): chrX:48,923,668, C>A on the plus strand (G>T on the coding strand, the complement: OTUD5 is on the minus strand). VCF-style: chrX-48923668-C-A. GRCh37 (hg19) VCF-style: chrX-48780945-C-A.
Other names: c.1544G>T, p.Arg515Leu (NM_001136158.2); c.893G>T, p.Arg298Leu (NM_001136159.2); c.1559G>T, p.Arg520Leu (NM_017602.4); short protein forms R298L, R515L, R520L.
Identifiers: ClinVar variation 4820347 (VCV004820347.1).

ClinVar aggregate classification (germline): Likely pathogenic (1 of 4 stars; one submission).

Conditions:
Intellectual disability. Also called: Intellectual functioning disability; intellectual disabilities; Intellectual developmental disorder. Identifiers: MedGen C3714756, MeSH D008607, MONDO:0001071, HP:0001249.

Submission:

North West Genomic Laboratory Hub, Manchester University NHS Foundation Trust
Classification: Likely pathogenic for Intellectual disability. Last evaluated: 2023-11-17. Review status: criteria provided, single submitter. Criteria: ACGS Best Practice Guidelines for Variant Classification in Rare Disease 2020. Collection method: clinical testing. Allele origin: germline. Affected: yes.
Comment: PS2_Mod PM2_Mod PP2_Supp PM5_Mod